The following is an entry in ClinVar:

ClinVar aggregate classification (germline): Benign. Review status: criteria provided, single submitter (1 of 4 stars). 3 submissions from 3 submitters: Benign (1). 2 of the submissions do not count toward it. Last evaluated 2026-02-03.

Conditions:
OGDH-related disorder. Also called: OGDH-related condition.
Oxoglutaricaciduria. Identifiers: Orphanet 31, MedGen C2752074, MONDO:0008759, OMIM 203740.

Allele frequency attached by ClinVar (database versions not stated): TOPMed 0.15582; 1000 Genomes Project 0.23502; gnomAD exomes 0.10175; ExAC 0.10691; gnomAD 0.13683; 1000 Genomes Project 30x 0.23876; ESP Exome Variant Server 0.12932.
gnomAD v4.1: 91,621 of 1,613,344 alleles (5.7%); highest among the groups gnomAD compares: African/African-American, 37%; 10,320 homozygotes.

Submissions (3):

Labcorp Genetics (formerly Invitae), Labcorp
Classification: Benign for Oxoglutaricaciduria. Last evaluated: 2026-02-03. Review status: criteria provided, single submitter. Criteria: Invitae Variant Classification Sherloc (09022015). Collection method: clinical testing. Allele origin: germline.

PreventionGenetics, part of Exact Sciences
Classification: Benign for OGDH-related condition. Last evaluated: 2019-11-04. Review status: no assertion criteria provided. Collection method: clinical testing. Allele origin: germline. Not counted in ClinVar's aggregate classification.
Comment: This variant is classified as benign based on ACMG/AMP sequence variant interpretation guidelines (Richards et al. 2015 PMID: 25741868, with internal and published modifications).

Mayo Clinic Laboratories, Mayo Clinic
Classification: Benign. Last evaluated: 2016-02-29. Review status: no assertion criteria provided. Collection method: clinical testing. Allele origin: unknown. Not counted in ClinVar's aggregate classification.

NM_002541.4(OGDH):c.2973G>A (p.Ala991=)

Gene: OGDH (oxoglutarate dehydrogenase; plus strand). Cytogenetic location: 7p13.
Variant type: single nucleotide variant.
Coding change: c.2973G>A on transcript NM_002541.4 (MANE Select); coding-DNA position 2973, G replaced by A.
Protein change: p.Ala991=; no amino-acid change (alanine 991 retained).
Molecular consequence: synonymous variant.
Genome position (GRCh38, 1-based): chr7:44,707,900, G>A. VCF-style: chr7-44707900-G-A. GRCh37 (hg19) VCF-style: chr7-44747499-G-A.
Other names: c.2961G>A, p.Ala987= (NM_001165036.2); c.3006G>A, p.Ala1002= (NM_001363523.2); c.3006G>A (NM_001363523.1).
Identifiers: ClinVar variation 559273 (VCV000559273.15), dbSNP rs2070606, ClinGen allele CA4244269.